The following is an entry in ClinVar:

NM_003392.7(WNT5A):c.968G>A (p.Arg323His)

Gene: WNT5A (Wnt family member 5A; minus strand). Cytogenetic location: 3p14.3.
Variant type: single nucleotide variant.
Coding change: c.968G>A on transcript NM_003392.7 (MANE Select); coding-DNA position 968, G replaced by A.
Protein change: p.Arg323His; replaces arginine 323 with histidine.
Molecular consequence: missense variant.
Genome position (GRCh38, 1-based): chr3:55,470,267, C>T on the plus strand (G>A on the coding strand, the complement: WNT5A is on the minus strand). VCF-style: chr3-55470267-C-T. GRCh37 (hg19) VCF-style: chr3-55504295-C-T.
Other names: c.923G>A, p.Arg308His (NM_001256105.1, NM_001377271.1, NM_001377272.1); short protein forms R323H, R308H.
Identifiers: ClinVar variation 2190414 (VCV002190414.4), dbSNP rs2471254817, ClinGen allele CA353271912.

ClinVar aggregate classification (germline): Uncertain significance (1 of 4 stars; one submission).

Allele frequency attached by ClinVar (database versions not stated): gnomAD exomes 0.00001.
gnomAD v4.1: 12 of 1,614,010 alleles (0.00074%); highest among the groups gnomAD compares: Non-Finnish European, 0.001%; no homozygotes.

Submission:

Labcorp Genetics (formerly Invitae), Labcorp
Classification: Uncertain significance. Last evaluated: 2024-10-22. Review status: criteria provided, single submitter. Criteria: Invitae Variant Classification Sherloc (09022015). Collection method: clinical testing. Allele origin: germline.
Comment: This sequence change replaces arginine, which is basic and polar, with histidine, which is basic and polar, at codon 323 of the WNT5A protein (p.Arg323His). This variant is not present in population databases (gnomAD no frequency). This variant has not been reported in the literature in individuals affected with WNT5A-related conditions. ClinVar contains an entry for this variant (Variation ID: 2190414). Invitae Evidence Modeling of protein sequence and biophysical properties (such as structural, functional, and spatial information, amino acid conservation, physicochemical variation, residue mobility, and thermodynamic stability) indicates that this missense variant is expected to disrupt WNT5A protein function with a positive predictive value of 80%. In summary, the available evidence is currently insufficient to determine the role of this variant in disease. Therefore, it has been classified as a Variant of Uncertain Significance.